The following is an entry in ClinVar:

ClinVar aggregate classification (germline): Uncertain significance. Review status: criteria provided, multiple submitters, no conflicts (2 of 4 stars). 4 submissions from 4 submitters: Uncertain significance (4). Last evaluated 2025-12-01.

Conditions:
Inborn genetic diseases. Identifiers: MedGen C0950123, MeSH D030342.
ANKRD26-related disorder. Also called: ANKRD26-related condition.

gnomAD v4.1: 11 of 1,613,884 alleles (0.00068%); highest among the groups gnomAD compares: Admixed American, 0.0067%; no homozygotes.

Submissions (4):

Labcorp Genetics (formerly Invitae), Labcorp
Classification: Uncertain significance. Last evaluated: 2025-12-01. Review status: criteria provided, single submitter. Criteria: Invitae Variant Classification Sherloc (09022015). Collection method: clinical testing. Allele origin: germline.
Comment: This sequence change replaces serine, which is neutral and polar, with proline, which is neutral and non-polar, at codon 1596 of the ANKRD26 protein (p.Ser1596Pro). This variant is present in population databases (rs778105689, gnomAD 0.01%). This variant has not been reported in the literature in individuals affected with ANKRD26-related conditions. ClinVar contains an entry for this variant (Variation ID: 3368195). An algorithm developed to predict the effect of missense changes on protein structure and function (PolyPhen-2) suggests that this variant is likely to be tolerated. In summary, the available evidence is currently insufficient to determine the role of this variant in disease. Therefore, it has been classified as a Variant of Uncertain Significance.

Ambry Genetics
Classification: Uncertain significance for Inborn genetic diseases. Last evaluated: 2025-06-19. Review status: criteria provided, single submitter. Criteria: Ambry Variant Classification Scheme 2023. Collection method: clinical testing. Allele origin: germline.

PreventionGenetics, part of Exact Sciences
Classification: Uncertain significance for ANKRD26-related condition. Last evaluated: 2025-02-07. Review status: criteria provided, single submitter. Criteria: ACMG Guidelines, 2015. Collection method: clinical testing. Allele origin: germline.
Comment: The ANKRD26 c.4786T>C variant is predicted to result in the amino acid substitution p.Ser1596Pro. To our knowledge, this variant has not been reported in the literature. This variant is reported in 0.013% of alleles in individuals of African descent in gnomAD and is reported as a variant of uncertain significance in ClinVar. Although we suspect that this variant may be benign, at this time, the clinical significance of this variant is uncertain due to the absence of conclusive functional and genetic evidence.

GeneDx
Classification: Uncertain significance. Last evaluated: 2024-01-23. Review status: criteria provided, single submitter. Criteria: GeneDx Variant Classification Process June 2021. Collection method: clinical testing. Allele origin: germline. Affected: yes.
Comment: Not observed at significant frequency in large population cohorts (gnomAD); In silico analysis supports that this missense variant has a deleterious effect on protein structure/function; Has not been previously published as pathogenic or benign to our knowledge

NM_014915.3(ANKRD26):c.4786T>C (p.Ser1596Pro)

Gene: ANKRD26 (ankyrin repeat domain 26; minus strand). Cytogenetic location: 10p12.1.
Variant type: single nucleotide variant.
Coding change: c.4786T>C on transcript NM_014915.3 (MANE Select); coding-DNA position 4786, T replaced by C.
Protein change: p.Ser1596Pro; replaces serine 1596 with proline.
Molecular consequence: missense variant.
Genome position (GRCh38, 1-based): chr10:27,013,049, A>G on the plus strand (T>C on the coding strand, the complement: ANKRD26 is on the minus strand). VCF-style: chr10-27013049-A-G. GRCh37 (hg19) VCF-style: chr10-27301978-A-G.
Other names: c.4783T>C, p.Ser1595Pro (NM_001256053.2); short protein forms S1595P, S1596P.
Identifiers: ClinVar variation 3368195 (VCV003368195.6).
Genomic context (GRCh38, chr10:27,013,049, plus strand): 5'-TAAGATTTCCCACACAAGGTGGCTCCATGACTGGCCTGGTAGTGAGAGTGGTGAACAAAG[A>G]TCTGCTCTGCTGTTTTTCCACAAGAAGTTTGGTGTTGACCTCTGCTAGCCTCTCATTAGT-3'
Protein context (NP_055730.2, residues 1586-1606): KLLVEKQQSR[Ser1596Pro]LFTTLTTRPV